The following is an entry in ClinVar:

ClinVar aggregate classification (germline): Pathogenic. Review status: criteria provided, multiple submitters, no conflicts (2 of 4 stars). 2 submissions from 2 submitters: Pathogenic (2). Last evaluated 2023-05-26.

Conditions:
Congenital multicore myopathy with external ophthalmoplegia (CMYO1B). Also called: MULTICORE MYOPATHY; Minicore myopathy with external ophthalmoplegia; Congenital myopathy 1B, autosomal recessive; Minicore myopathy; MULTIMINICORE DISEASE WITH EXTERNAL OPHTHALMOPLEGIA. Identifiers: Orphanet 598, Orphanet 98905, MedGen C1850674, MONDO:0009712, OMIM 255320, HP:0003789.
RYR1-related disorder. Also called: RYR1-related condition; RYR1-related disorders. Identifiers: MedGen CN239331.

Submissions (2):

Labcorp Genetics (formerly Invitae), Labcorp
Classification: Pathogenic for RYR1-related disorder. Last evaluated: 2023-05-26. Review status: criteria provided, single submitter. Criteria: Invitae Variant Classification Sherloc (09022015). Collection method: clinical testing. Allele origin: germline.
Comment: This sequence change creates a premature translational stop signal (p.Gln4004*) in the RYR1 gene. It is expected to result in an absent or disrupted protein product. Loss-of-function variants in RYR1 are known to be pathogenic (PMID: 23919265, 25960145, 28818389, 30611313). This variant is not present in population databases (gnomAD no frequency). This premature translational stop signal has been observed in individual(s) with autosomal recessive RYR1-related conditions (PMID: 26841830). ClinVar contains an entry for this variant (Variation ID: 2138291). Algorithms developed to predict the effect of sequence changes on RNA splicing suggest that this variant may disrupt the consensus splice site. For these reasons, this variant has been classified as Pathogenic.

Clinical Genetics Service, Universitary Hospital 12 de Octubre
Classification: Pathogenic for Congenital multicore myopathy with external ophthalmoplegia. Review status: criteria provided, single submitter. Criteria: ACMG Guidelines, 2015. Collection method: clinical testing. Allele origin: germline. Affected: yes.

Literature cited by the submitters: PubMed 23919265 (cited by Labcorp Genetics (formerly Invitae), Labcorp); PubMed 25960145 (cited by Labcorp Genetics (formerly Invitae), Labcorp); PubMed 28818389 (cited by Labcorp Genetics (formerly Invitae), Labcorp); PubMed 30611313 (cited by Labcorp Genetics (formerly Invitae), Labcorp); PubMed 26841830 (cited by Labcorp Genetics (formerly Invitae), Labcorp).

NM_000540.3(RYR1):c.12010C>T (p.Gln4004Ter)

Gene: RYR1 (ryanodine receptor 1; plus strand). Cytogenetic location: 19q13.2.
Variant type: single nucleotide variant.
Coding change: c.12010C>T on transcript NM_000540.3 (MANE Select); coding-DNA position 12010, C replaced by T.
Protein change: p.Gln4004Ter; replaces glutamine 4004 with a stop codon.
Molecular consequence: nonsense.
Genome position (GRCh38, 1-based): chr19:38,543,873, C>T. VCF-style: chr19-38543873-C-T. GRCh37 (hg19) VCF-style: chr19-39034513-C-T.
Other names: c.11995C>T, p.Gln3999Ter (NM_001042723.2); short protein forms Q3999*, Q4004*.
Identifiers: ClinVar variation 2138291 (VCV002138291.5), dbSNP rs1972311901, ClinGen allele CA405663057.